The following is an entry in ClinVar:

NM_001371623.1(TCOF1):c.1488+5G>A

Gene: TCOF1 (treacle ribosome biogenesis factor 1; plus strand). Cytogenetic location: 5q32.
Variant type: single nucleotide variant.
Coding change: c.1488+5G>A on transcript NM_001371623.1 (MANE Select); 5 bases into the intron after coding-DNA position 1488, G replaced by A.
Molecular consequence: intron variant.
Genome position (GRCh38, 1-based): chr5:150,375,168, G>A. VCF-style: chr5-150375168-G-A. GRCh37 (hg19) VCF-style: chr5-149754731-G-A.
Other names: c.1488+5G>A (NM_001135243.2, NM_001135244.2, NM_001195141.2 and 1 more transcripts); c.1257+5G>A (NM_001135245.2, NM_000356.4).
Identifiers: ClinVar variation 504274 (VCV000504274.3), dbSNP rs1554136339, ClinGen allele CA658796663.
Genomic context (GRCh38, chr5:150,375,168, plus strand): 5'-GCAGCGAGGAGTCAGACAGTGACAGAGAGGCACTGGCAGCCATGAATGCAGCTCAGGTGA[G>A]GCTGGAAGCCGCCCTGCATGGCCTGTGCCCTGCCTCAAAAGACCTCCTGTGGTTTTGACT-3'

ClinVar aggregate classification (germline): Uncertain significance (1 of 4 stars; one submission).

Allele frequency attached by ClinVar (database versions not stated): gnomAD exomes below 0.00001.
gnomAD v4.1: 1 of 1,613,398 alleles (0.000062%); highest among the groups gnomAD compares: South Asian, 0.0011%; no homozygotes.

Submission:

GeneDx
Classification: Uncertain significance. Last evaluated: 2019-06-06. Review status: criteria provided, single submitter. Criteria: GeneDx Variant Classification Process June 2021. Collection method: clinical testing. Allele origin: germline. Affected: yes.
Comment: Not observed in large population cohorts (Lek et al., 2016)